The following is an entry in ClinVar:

NM_000059.4(BRCA2):c.68-329G>A

Gene: BRCA2 (BRCA2 DNA repair associated; plus strand). Cytogenetic location: 13q13.1.
Variant type: single nucleotide variant.
Coding change: c.68-329G>A on transcript NM_000059.4 (MANE Select); 329 bases into the intron before coding-DNA position 68, G replaced by A.
Molecular consequence: intron variant.
Genome position (GRCh38, 1-based): chr13:32,318,748, G>A. VCF-style: chr13-32318748-G-A. GRCh37 (hg19) VCF-style: chr13-32892885-G-A.
Other names: IVS 2-329G>A.
Identifiers: ClinVar variation 209618 (VCV000209618.4), dbSNP rs11571586, ClinGen allele CA276587.

ClinVar aggregate classification (germline): Benign. Review status: reviewed by expert panel (3 of 4 stars). 2 submissions from 2 submitters: Benign (1). 1 of the submissions does not count toward it. Last evaluated 2015-01-12.

Conditions:
Breast-ovarian cancer, familial, susceptibility to, 2 (BROVCA2). Also called: BRCA2 Hereditary Breast and Ovarian Cancer. Identifiers: Orphanet 145, MedGen C2675520, MONDO:0012933, OMIM 612555. Disease mechanism: loss of function.

Allele frequency attached by ClinVar (database versions not stated): 1000 Genomes Project 0.00659; gnomAD 0.00727 and 0.00794; 1000 Genomes Project 30x 0.00734; TOPMed 0.00804.

Submissions (2):

Evidence-based Network for the Interpretation of Germline Mutant Alleles (ENIGMA)
Classification: Benign for Breast-ovarian cancer, familial 2. Last evaluated: 2015-01-12. Review status: reviewed by expert panel. Criteria: ENIGMA BRCA1/2 Classification Criteria (2015). Collection method: curation. Allele origin: germline.
Comment: Class 1 not pathogenic based on frequency >1% in an outbred sampleset. Frequency 0.02642 (African), derived from 1000 genomes (2012-04-30).

GeneDx
Classification: Likely benign. Last evaluated: 2018-07-15. Review status: criteria provided, single submitter. Criteria: GeneDx Variant Classification Process June 2021. Collection method: clinical testing. Allele origin: germline. Affected: yes. Not counted in ClinVar's aggregate classification.